The following is an entry in ClinVar:

ClinVar aggregate classification (germline): Uncertain significance (1 of 4 stars; one submission).

Conditions:
Charcot-Marie-Tooth disease axonal type 2O. Also called: CHARCOT-MARIE-TOOTH NEUROPATHY, AXONAL, TYPE 2O; CHARCOT-MARIE-TOOTH DISEASE, AXONAL, AUTOSOMAL DOMINANT, TYPE 2O; Charcot-Marie-Tooth Neuropathy Type 2O; Charcot-Marie-Tooth disease, axonal, type 20. Identifiers: Orphanet 284232, MedGen C3280220, MONDO:0013644, OMIM 614228.

Allele frequency attached by ClinVar (database versions not stated): gnomAD exomes below 0.00001; ExAC 0.00001.
gnomAD v4.1: 3 of 1,614,192 alleles (0.00019%); highest among the groups gnomAD compares: Non-Finnish European, 0.00025%; no homozygotes.

Submission:

Labcorp Genetics (formerly Invitae), Labcorp
Classification: Uncertain significance for Charcot-Marie-Tooth disease axonal type 2O. Last evaluated: 2022-09-09. Review status: criteria provided, single submitter. Criteria: Invitae Variant Classification Sherloc (09022015). Collection method: clinical testing. Allele origin: germline.
Comment: In summary, the available evidence is currently insufficient to determine the role of this variant in disease. Therefore, it has been classified as a Variant of Uncertain Significance. Advanced modeling of protein sequence and biophysical properties (such as structural, functional, and spatial information, amino acid conservation, physicochemical variation, residue mobility, and thermodynamic stability) has been performed at Invitae for this missense variant, however the output from this modeling did not meet the statistical confidence thresholds required to predict the impact of this variant on DYNC1H1 protein function. This variant has not been reported in the literature in individuals affected with DYNC1H1-related conditions. This variant is present in population databases (rs777581372, gnomAD 0.0009%). This sequence change replaces threonine, which is neutral and polar, with methionine, which is neutral and non-polar, at codon 3765 of the DYNC1H1 protein (p.Thr3765Met).

NM_001376.5(DYNC1H1):c.11294C>T (p.Thr3765Met)

Gene: DYNC1H1 (dynein cytoplasmic 1 heavy chain 1; plus strand). Cytogenetic location: 14q32.31.
Variant type: single nucleotide variant.
Coding change: c.11294C>T on transcript NM_001376.5 (MANE Select); coding-DNA position 11294, C replaced by T.
Protein change: p.Thr3765Met; replaces threonine 3765 with methionine.
Molecular consequence: missense variant.
Genome position (GRCh38, 1-based): chr14:102,039,088, C>T. VCF-style: chr14-102039088-C-T. GRCh37 (hg19) VCF-style: chr14-102505425-C-T.
Other names: short protein forms T3765M.
Identifiers: ClinVar variation 2415589 (VCV002415589.6), dbSNP rs777581372, ClinGen allele CA7353566.